The following is an entry in ClinVar:

ClinVar aggregate classification (germline): Likely benign. Review status: criteria provided, multiple submitters, no conflicts (2 of 4 stars). 3 submissions from 3 submitters: Likely benign (2). 1 of the submissions does not count toward it. Last evaluated 2025-03-20.

Conditions:
PDZD7-related disorder. Also called: PDZD7-related disorders; PDZD7-related condition.

Allele frequency attached by ClinVar (database versions not stated): gnomAD exomes below 0.00001; gnomAD 0.00002; TOPMed 0.00002.
gnomAD v4.1: 5 of 1,535,982 alleles (0.00033%); highest among the groups gnomAD compares: African/African-American, 0.0041%; no homozygotes.

Submissions (3):

Labcorp Genetics (formerly Invitae), Labcorp
Classification: Likely benign. Last evaluated: 2025-03-20. Review status: criteria provided, single submitter. Criteria: Invitae Variant Classification Sherloc (09022015). Collection method: clinical testing. Allele origin: germline.

Blueprint Genetics
Classification: Likely benign. Last evaluated: 2024-09-25. Review status: criteria provided, single submitter. Criteria: ACMG Guidelines, 2015. Collection method: clinical testing. Allele origin: germline.

PreventionGenetics, part of Exact Sciences
Classification: Likely benign for PDZD7-related condition. Last evaluated: 2019-08-13. Review status: no assertion criteria provided. Collection method: clinical testing. Allele origin: germline. Not counted in ClinVar's aggregate classification.
Comment: This variant is classified as likely benign based on ACMG/AMP sequence variant interpretation guidelines (Richards et al. 2015 PMID: 25741868, with internal and published modifications).

NM_001195263.2(PDZD7):c.2568C>A (p.Pro856=)

Gene: PDZD7 (PDZ domain containing 7; minus strand). Cytogenetic location: 10q24.31.
Variant type: single nucleotide variant.
Coding change: c.2568C>A on transcript NM_001195263.2 (MANE Select); coding-DNA position 2568, C replaced by A.
Protein change: p.Pro856=; no amino-acid change (proline 856 retained).
Molecular consequence: synonymous variant.
Genome position (GRCh38, 1-based): chr10:101,010,321, G>T on the plus strand (C>A on the coding strand, the complement: PDZD7 is on the minus strand). VCF-style: chr10-101010321-G-T. GRCh37 (hg19) VCF-style: chr10-102770078-G-T.
Identifiers: ClinVar variation 743769 (VCV000743769.9), dbSNP rs1308552992, ClinGen allele CA595644026.